The following is an entry in ClinVar:

NM_001039591.3(USP9X):c.3044C>T (p.Pro1015Leu)

Gene: USP9X (ubiquitin specific peptidase 9 X-linked; plus strand). Cytogenetic location: Xp11.4.
Variant type: single nucleotide variant.
Coding change: c.3044C>T on transcript NM_001039591.3 (MANE Select); coding-DNA position 3044, C replaced by T.
Protein change: p.Pro1015Leu; replaces proline 1015 with leucine.
Molecular consequence: missense variant.
Genome position (GRCh38, 1-based): chrX:41,171,854, C>T. VCF-style: chrX-41171854-C-T. GRCh37 (hg19) VCF-style: chrX-41031107-C-T.
Other names: c.3044C>T, p.Pro1015Leu (NM_001039590.3); c.3059C>T, p.Pro1020Leu (NM_001410748.1, NM_001410749.1); short protein forms P1020L, P1015L.
Identifiers: ClinVar variation 2115137 (VCV002115137.5), dbSNP rs752034739, ClinGen allele CA10388645.

ClinVar aggregate classification (germline): Uncertain significance. Review status: criteria provided, multiple submitters, no conflicts (2 of 4 stars). 2 submissions from 2 submitters: Uncertain significance (2). Last evaluated 2022-10-25.

Conditions:
Inborn genetic diseases. Identifiers: MedGen C0950123, MeSH D030342.

Allele frequency attached by ClinVar (database versions not stated): gnomAD exomes 0.00001; gnomAD 0.00002; ExAC 0.00005.
gnomAD v4.1: 9 of 1,207,296 alleles (0.00075%); highest among the groups gnomAD compares: Non-Finnish European, 0.001%; no homozygotes.

Submissions (2):

Labcorp Genetics (formerly Invitae), Labcorp
Classification: Uncertain significance. Last evaluated: 2022-10-25. Review status: criteria provided, single submitter. Criteria: Invitae Variant Classification Sherloc (09022015). Collection method: clinical testing. Allele origin: germline.
Comment: In summary, the available evidence is currently insufficient to determine the role of this variant in disease. Therefore, it has been classified as a Variant of Uncertain Significance. Algorithms developed to predict the effect of sequence changes on RNA splicing suggest that this variant may create or strengthen a splice site. Algorithms developed to predict the effect of missense changes on protein structure and function (SIFT, PolyPhen-2, Align-GVGD) all suggest that this variant is likely to be tolerated. This variant has not been reported in the literature in individuals affected with USP9X-related conditions. This variant is present in population databases (rs752034739, gnomAD 0.004%), including at least one homozygous and/or hemizygous individual. This sequence change replaces proline, which is neutral and non-polar, with leucine, which is neutral and non-polar, at codon 1015 of the USP9X protein (p.Pro1015Leu).

Ambry Genetics
Classification: Uncertain significance for Inborn genetic diseases. Last evaluated: 2022-05-11. Review status: criteria provided, single submitter. Criteria: Ambry Variant Classification Scheme 2023. Collection method: clinical testing. Allele origin: germline.